The following is an entry in ClinVar:

NM_002303.6(LEPR):c.653G>A (p.Gly218Asp)

Gene: LEPR (leptin receptor; plus strand). Cytogenetic location: 1p31.3.
Variant type: single nucleotide variant.
Coding change: c.653G>A on transcript NM_002303.6 (MANE Select); coding-DNA position 653, G replaced by A.
Protein change: p.Gly218Asp; replaces glycine 218 with aspartic acid.
Molecular consequence: missense variant.
Genome position (GRCh38, 1-based): chr1:65,592,815, G>A. VCF-style: chr1-65592815-G-A. GRCh37 (hg19) VCF-style: chr1-66058498-G-A.
Other names: c.653G>A, p.Gly218Asp (NM_001003679.3, NM_001003680.3, NM_001198687.2 and 2 more transcripts); short protein forms G218D.
Identifiers: ClinVar variation 4999865 (VCV004999865.1).

ClinVar aggregate classification (germline): Uncertain significance (1 of 4 stars; one submission).

Conditions:
LEPR-related disorder. Also called: LEPR-related disorders; LEPR-related condition.

gnomAD v4.1: 1 of 1,613,230 alleles (0.000062%); highest among the groups gnomAD compares: Middle Eastern, 0.017%; no homozygotes.

Submission:

PreventionGenetics, part of Exact Sciences
Classification: Uncertain significance for LEPR-related condition. Last evaluated: 2026-06-25. Review status: criteria provided, single submitter. Criteria: ACMG Guidelines, 2015. Collection method: clinical testing. Allele origin: germline.
Comment: The LEPR c.653G>A variant is predicted to result in the amino acid substitution p.Gly218Asp. To our knowledge, this variant has not been reported in the literature. This variant has been reported in one heterozygous individual within the ‘other’ subpopulation in gnomAD. At this time, the clinical significance of this variant is uncertain due to the absence of conclusive functional and genetic evidence.